The following is an entry in ClinVar:

NM_020693.4(DSCAML1):c.4239C>G (p.Ile1413Met)

Gene: DSCAML1 (DS cell adhesion molecule like 1; minus strand). Cytogenetic location: 11q23.3.
Variant type: single nucleotide variant.
Coding change: c.4239C>G on transcript NM_020693.4 (MANE Select); coding-DNA position 4239, C replaced by G.
Protein change: p.Ile1413Met; replaces isoleucine 1413 with methionine.
Molecular consequence: missense variant.
Genome position (GRCh38, 1-based): chr11:117,438,889, G>C on the plus strand (C>G on the coding strand, the complement: DSCAML1 is on the minus strand). VCF-style: chr11-117438889-G-C. GRCh37 (hg19) VCF-style: chr11-117309605-G-C.
Other names: short protein forms I1413M.
Identifiers: ClinVar variation 2395045 (VCV002395045.6), dbSNP rs565882812, ClinGen allele CA6296453.

ClinVar aggregate classification (germline): Uncertain significance. Review status: criteria provided, multiple submitters, no conflicts (2 of 4 stars). 2 submissions from 2 submitters: Uncertain significance (2). Last evaluated 2025-07-15.

Allele frequency attached by ClinVar (database versions not stated): 1000 Genomes Project 0.00020; gnomAD 0.00005; 1000 Genomes Project 30x 0.00016; ExAC 0.00001; TOPMed 0.00006.
gnomAD v4.1: 14 of 1,587,122 alleles (0.00088%); highest among the groups gnomAD compares: African/African-American, 0.019%; no homozygotes.

Submissions (2):

Ambry Genetics
Classification: Uncertain significance. Last evaluated: 2025-07-15. Review status: criteria provided, single submitter. Criteria: Ambry Variant Classification Scheme 2023. Collection method: clinical testing. Allele origin: germline.

Labcorp Genetics (formerly Invitae), Labcorp
Classification: Uncertain significance. Last evaluated: 2025-02-15. Review status: criteria provided, single submitter. Criteria: Invitae Variant Classification Sherloc (09022015). Collection method: clinical testing. Allele origin: germline.
Comment: This sequence change replaces isoleucine, which is neutral and non-polar, with methionine, which is neutral and non-polar, at codon 1473 of the DSCAML1 protein (p.Ile1473Met). This variant is present in population databases (rs565882812, gnomAD 0.03%). This variant has not been reported in the literature in individuals affected with DSCAML1-related conditions. ClinVar contains an entry for this variant (Variation ID: 2395045). An algorithm developed to predict the effect of missense changes on protein structure and function (PolyPhen-2) suggests that this variant is likely to be disruptive. In summary, the available evidence is currently insufficient to determine the role of this variant in disease. Therefore, it has been classified as a Variant of Uncertain Significance.